The following is an entry in ClinVar:

ClinVar aggregate classification (germline): Likely pathogenic (1 of 4 stars; one submission).

Conditions:
Infantile cortical hyperostosis. Also called: Hyperostosis, Cortical, Congenital; Caffey Disease; P1PK BLOOD GROUP SYSTEM, P(2) PHENOTYPE. Identifiers: Orphanet 1310, MedGen C0020497, MONDO:0007244, OMIM 114000.

Submission:

Baylor Genetics
Classification: Likely pathogenic for Infantile cortical hyperostosis. Last evaluated: 2019-10-18. Review status: criteria provided, single submitter. Criteria: ACMG Guidelines, 2015. Collection method: clinical testing. Allele origin: unknown. Affected: yes.
Comment: This variant was determined to be likely pathogenic according to ACMG Guidelines, 2015 [PMID:25741868].

NM_000088.4(COL1A1):c.3398G>A (p.Gly1133Glu)

Gene: COL1A1 (collagen type I alpha 1 chain; minus strand). Cytogenetic location: 17q21.33.
Variant type: single nucleotide variant.
Coding change: c.3398G>A on transcript NM_000088.4 (MANE Select); coding-DNA position 3398, G replaced by A.
Protein change: p.Gly1133Glu; replaces glycine 1133 with glutamic acid.
Molecular consequence: missense variant.
Genome position (GRCh38, 1-based): chr17:50,187,509, C>T on the plus strand (G>A on the coding strand, the complement: COL1A1 is on the minus strand). VCF-style: chr17-50187509-C-T. GRCh37 (hg19) VCF-style: chr17-48264870-C-T.
Other names: short protein forms G1133E.
Identifiers: ClinVar variation 1029481 (VCV001029481.1), dbSNP rs1906659084, ClinGen allele CA400199267.